The following is an entry in ClinVar:

ClinVar aggregate classification (germline): Uncertain significance. Review status: criteria provided, multiple submitters, no conflicts (2 of 4 stars). 2 submissions from 2 submitters: Uncertain significance (2). Last evaluated 2021-10-15.

Conditions:
Nephronophthisis 16 (NPHP16). Identifiers: Orphanet 655, MedGen C3809320, MONDO:0014158, OMIM 615382.

Allele frequency attached by ClinVar (database versions not stated): gnomAD exomes below 0.00001; TOPMed below 0.00001; gnomAD 0.00001.
gnomAD v4.1: 4 of 1,610,860 alleles (0.00025%); highest among the groups gnomAD compares: African/African-American, 0.0053%; no homozygotes.

Submissions (2):

Fulgent Genetics
Classification: Uncertain significance for Nephronophthisis 16. Last evaluated: 2021-10-15. Review status: criteria provided, single submitter. Criteria: ACMG Guidelines, 2015. Collection method: clinical testing. Allele origin: unknown.

GeneDx
Classification: Uncertain significance. Last evaluated: 2016-08-02. Review status: criteria provided, single submitter. Criteria: GeneDx Variant Classification (06012015). Collection method: clinical testing. Allele origin: germline. Affected: yes.
Comment: The D136A variant in the ANKS6 gene has not been reported previously as a pathogenic variant, nor as a benign variant, to our knowledge. The D136A variant was not observed in approximately 6200 individuals of European and African American ancestry in the NHLBI Exome Sequencing Project, indicating it is not a common benign variant in these populations. The D136A variant is a non-conservative amino acid substitution, which is likely to impact secondary protein structure as these residues differ in polarity, charge, size and/or other properties. This substitution occurs at a position where amino acids with similar properties to Aspartic Acid are tolerated across species. In silico analysis predicts this variant is probably damaging to the protein structure/function. We interpret D136A as a variant of uncertain significance.

NM_173551.5(ANKS6):c.407A>C (p.Asp136Ala)

Gene: ANKS6 (ankyrin repeat and sterile alpha motif domain containing 6; minus strand). Cytogenetic location: 9q22.33.
Variant type: single nucleotide variant.
Coding change: c.407A>C on transcript NM_173551.5 (MANE Select); coding-DNA position 407, A replaced by C.
Protein change: p.Asp136Ala; replaces aspartic acid 136 with alanine.
Molecular consequence: missense variant.
Genome position (GRCh38, 1-based): chr9:98,790,559, T>G on the plus strand (A>C on the coding strand, the complement: ANKS6 is on the minus strand). VCF-style: chr9-98790559-T-G. GRCh37 (hg19) VCF-style: chr9-101552841-T-G.
Other names: short protein forms D136A.
Identifiers: ClinVar variation 388126 (VCV000388126.3), dbSNP rs1057523009, ClinGen allele CA16605927.
Genomic context (GRCh38, chr9:98,790,559, plus strand): 5'-TGGCCGCCCCGAGAAGCCACAGTGAGCACACTGGCCCCCAGCCGGTTCTGGGCATTGACA[T>G]CAGCCCCGTGATCCAACAGGAGGTGTGCCACACTCACATGCCCAAATCTGCCAGGAAGAT-3'
Protein context (NP_775822.3, residues 126-146): VAHLLLDHGA[Asp136Ala]VNAQNRLGAS